The following is an entry in ClinVar:

ClinVar aggregate classification (germline): Pathogenic/Likely pathogenic. Review status: criteria provided, multiple submitters, no conflicts (2 of 4 stars). 3 submissions from 3 submitters: Pathogenic (1); Likely pathogenic (1). 1 of the submissions does not count toward it. Last evaluated 2024-02-15.

Conditions:
Exudative vitreoretinopathy 5 (EVR5). Identifiers: Orphanet 891, MedGen C2750079, MONDO:0013218, OMIM 613310.

Allele frequency attached by ClinVar (database versions not stated): gnomAD exomes below 0.00001; TOPMed below 0.00001; ExAC 0.00001; gnomAD 0.00001.
gnomAD v4.1: 3 of 1,613,788 alleles (0.00019%); highest among the groups gnomAD compares: Admixed American, 0.0017%; no homozygotes.

Submissions (3):

Labcorp Genetics (formerly Invitae), Labcorp
Classification: Pathogenic. Last evaluated: 2024-02-15. Review status: criteria provided, single submitter. Criteria: Invitae Variant Classification Sherloc (09022015). Collection method: clinical testing. Allele origin: germline.
Comment: This sequence change replaces tyrosine, which is neutral and polar, with cysteine, which is neutral and slightly polar, at codon 138 of the TSPAN12 protein (p.Tyr138Cys). This variant is present in population databases (rs587777283, gnomAD 0.0009%). This missense change has been observed in individual(s) with exudative vitreoretinopathy (PMID: 22427576). It has also been observed to segregate with disease in related individuals. ClinVar contains an entry for this variant (Variation ID: 126503). Advanced modeling of protein sequence and biophysical properties (such as structural, functional, and spatial information, amino acid conservation, physicochemical variation, residue mobility, and thermodynamic stability) has been performed at Invitae for this missense variant, however the output from this modeling did not meet the statistical confidence thresholds required to predict the impact of this variant on TSPAN12 protein function. For these reasons, this variant has been classified as Pathogenic.

GeneDx
Classification: Likely pathogenic. Last evaluated: 2023-09-26. Review status: criteria provided, single submitter. Criteria: GeneDx Variant Classification Process June 2021. Collection method: clinical testing. Allele origin: germline. Affected: yes.
Comment: Not observed at significant frequency in large population cohorts (gnomAD); In silico analysis supports that this missense variant has a deleterious effect on protein structure/function; This variant is associated with the following publications: (PMID: 22427576, 21905167)

OMIM
Classification: Pathogenic for EXUDATIVE VITREORETINOPATHY 5. Last evaluated: 2012-05-14. Review status: no assertion criteria provided. Collection method: literature only. Allele origin: germline. Not counted in ClinVar's aggregate classification.

Literature cited by the submitters: PubMed 22427576 (cited by Labcorp Genetics (formerly Invitae), Labcorp and OMIM); PubMed 15665352 (cited by OMIM).

NM_012338.4(TSPAN12):c.413A>G (p.Tyr138Cys)

Gene: TSPAN12 (tetraspanin 12; minus strand). Cytogenetic location: 7q31.31.
Variant type: single nucleotide variant.
Coding change: c.413A>G on transcript NM_012338.4 (MANE Select); coding-DNA position 413, A replaced by G.
Protein change: p.Tyr138Cys; replaces tyrosine 138 with cysteine.
Molecular consequence: missense variant.
Genome position (GRCh38, 1-based): chr7:120,810,518, T>C on the plus strand (A>G on the coding strand, the complement: TSPAN12 is on the minus strand). VCF-style: chr7-120810518-T-C. GRCh37 (hg19) VCF-style: chr7-120450572-T-C.
Other names: c.413A>G (NM_012338.3); short protein forms Y138C.
Identifiers: ClinVar variation 126503 (VCV000126503.4), dbSNP rs587777283, ClinGen allele CA269452.